The following is an entry in ClinVar:

NC_000008.10:g.(48730123_48731962)_(48732072_48733279)del

Gene: PRKDC (protein kinase, DNA-activated, catalytic subunit; minus strand). Cytogenetic location: 8q11.21.
Variant type: Deletion.
Identifiers: ClinVar variation 3063929 (VCV003063929.1).

ClinVar aggregate classification (germline): Uncertain significance (1 of 4 stars; one submission).

Submission:

Women's Health and Genetics/Laboratory Corporation of America, LabCorp
Classification: Uncertain significance. Last evaluated: 2024-01-15. Review status: criteria provided, single submitter. Criteria: LabCorp Variant Classification Summary - May 2015. Collection method: clinical testing. Allele origin: germline.
Comment: Variant summary: The variant involves the deletion of exon 68 in the PRKDC gene. A presumed nomenclature of c.(9333+1_9334-1)_(9442+1_9443-1)del has been designated for the purposes of this classification. This Copy Number Variant (CNV) is expected to alter the reading frame and predicted to result in a truncation or absence of the encoded protein due to nonsense mediated decay (NMD), however, current published evidence is not sufficient to determine whether loss-of-function variants in the PRKDC gene are associated with disease. The variant was absent in 120130 control chromosomes in the gnomAD database (Structural Variants v4.0 dataset). The available data on variant occurrences in the general population are insufficient to allow any conclusion about variant significance. To our knowledge, no occurrence of c.(9333+1_9334-1)_(9442+1_9443-1)del in individuals affected with Severe Combined Immunodeficiency and no experimental evidence demonstrating its impact on protein function have been reported. No submitters have cited clinical-significance assessments for this variant to ClinVar. Based on the evidence outlined above, the variant was classified as uncertain significance.